The following is an entry in ClinVar:

NM_006416.5(SLC35A1):c.556T>C (p.Leu186=)

Gene: SLC35A1 (solute carrier family 35 member A1; plus strand). Cytogenetic location: 6q15.
Variant type: single nucleotide variant.
Coding change: c.556T>C on transcript NM_006416.5 (MANE Select); coding-DNA position 556, T replaced by C.
Protein change: p.Leu186=; no amino-acid change (leucine 186 retained).
Molecular consequence: synonymous variant.
Genome position (GRCh38, 1-based): chr6:87,506,430, T>C. VCF-style: chr6-87506430-T-C. GRCh37 (hg19) VCF-style: chr6-88216148-T-C.
Other names: c.556T>C, p.Leu186= (NM_001168398.2).
Identifiers: ClinVar variation 513732 (VCV000513732.13), dbSNP rs147999550, ClinGen allele CA3916000.

ClinVar aggregate classification (germline): Likely benign. Review status: criteria provided, multiple submitters, no conflicts (2 of 4 stars). 4 submissions from 4 submitters: Likely benign (3). 1 of the submissions does not count toward it. Last evaluated 2025-10-21.

Conditions:
SLC35A1-related disorder. Also called: SLC35A1-related condition.
SLC35A1-congenital disorder of glycosylation. Also called: CONGENITAL DISORDER OF GLYCOSYLATION, TYPE IIf; CDG IIf; SLC35A1-CDG. Identifiers: Orphanet 238459, MedGen C1970344, MONDO:0011342, OMIM 603585.

Allele frequency attached by ClinVar (database versions not stated): gnomAD 0.00038 and 0.00043; TOPMed 0.00039; ESP Exome Variant Server 0.00069; gnomAD exomes 0.00005 and 0.00009; ExAC 0.00012; 1000 Genomes Project 30x 0.00016; 1000 Genomes Project 0.00020.

Submissions (4):

Labcorp Genetics (formerly Invitae), Labcorp
Classification: Likely benign for SLC35A1-congenital disorder of glycosylation. Last evaluated: 2025-10-21. Review status: criteria provided, single submitter. Criteria: Invitae Variant Classification Sherloc (09022015). Collection method: clinical testing. Allele origin: germline.

Blueprint Genetics
Classification: Likely benign. Last evaluated: 2024-01-11. Review status: criteria provided, single submitter. Criteria: ACMG Guidelines, 2015. Collection method: clinical testing. Allele origin: germline.

GeneDx
Classification: Likely benign. Last evaluated: 2017-12-15. Review status: criteria provided, single submitter. Criteria: GeneDx Variant Classification (06012015). Collection method: clinical testing. Allele origin: germline. Affected: yes.
Comment: This variant is considered likely benign or benign based on one or more of the following criteria: it is a conservative change, it occurs at a poorly conserved position in the protein, it is predicted to be benign by multiple in silico algorithms, and/or has population frequency not consistent with disease.

PreventionGenetics, part of Exact Sciences
Classification: Likely benign for SLC35A1-related condition. Last evaluated: 2019-10-23. Review status: no assertion criteria provided. Collection method: clinical testing. Allele origin: germline. Not counted in ClinVar's aggregate classification.
Comment: This variant is classified as likely benign based on ACMG/AMP sequence variant interpretation guidelines (Richards et al. 2015 PMID: 25741868, with internal and published modifications).